The following is an entry in ClinVar:

NM_006944.3(SPP2):c.398G>C (p.Arg133Pro)

Gene: SPP2 (secreted phosphoprotein 2; plus strand). Cytogenetic location: 2q37.1.
Variant type: single nucleotide variant.
Coding change: c.398G>C on transcript NM_006944.3 (MANE Select); coding-DNA position 398, G replaced by C.
Protein change: p.Arg133Pro; replaces arginine 133 with proline.
Molecular consequence: missense variant.
Genome position (GRCh38, 1-based): chr2:234,060,433, G>C. VCF-style: chr2-234060433-G-C. GRCh37 (hg19) VCF-style: chr2-234969077-G-C.
Other names: short protein forms R133P.
Identifiers: ClinVar variation 1015618 (VCV001015618.8), dbSNP rs376262894, ClinGen allele CA2183184.

ClinVar aggregate classification (germline): Uncertain significance (1 of 4 stars; one submission).

Allele frequency attached by ClinVar (database versions not stated): TOPMed 0.00002; ESP Exome Variant Server 0.00008.
gnomAD v4.1: 2 of 1,613,272 alleles (0.00012%); highest among the groups gnomAD compares: African/African-American, 0.0027%; no homozygotes.

Submission:

Labcorp Genetics (formerly Invitae), Labcorp
Classification: Uncertain significance. Last evaluated: 2022-02-08. Review status: criteria provided, single submitter. Criteria: Invitae Variant Classification Sherloc (09022015). Collection method: clinical testing. Allele origin: germline.
Comment: Algorithms developed to predict the effect of missense changes on protein structure and function (SIFT, PolyPhen-2, Align-GVGD) all suggest that this variant is likely to be disruptive. ClinVar contains an entry for this variant (Variation ID: 1015618). This variant has not been reported in the literature in individuals affected with SPP2-related conditions. This variant is present in population databases (rs376262894, gnomAD 0.007%). This sequence change replaces arginine, which is basic and polar, with proline, which is neutral and non-polar, at codon 133 of the SPP2 protein (p.Arg133Pro). In summary, the available evidence is currently insufficient to determine the role of this variant in disease. Therefore, it has been classified as a Variant of Uncertain Significance.